The following is an entry in ClinVar:

ClinVar aggregate classification (germline): Pathogenic (1 of 4 stars; one submission).

Submission:

Labcorp Genetics (formerly Invitae), Labcorp
Classification: Pathogenic. Last evaluated: 2023-08-02. Review status: criteria provided, single submitter. Criteria: Invitae Variant Classification Sherloc (09022015). Collection method: clinical testing. Allele origin: germline.
Comment: This variant has not been reported in the literature in individuals affected with COX15-related conditions. This sequence change creates a premature translational stop signal (p.Arg157Serfs*58) in the COX15 gene. It is expected to result in an absent or disrupted protein product. Loss-of-function variants in COX15 are known to be pathogenic (PMID: 15863660, 21412973). This variant is not present in population databases (gnomAD no frequency). For these reasons, this variant has been classified as Pathogenic.

Literature cited by the submitters: PubMed 15863660; PubMed 21412973.

NM_078470.6(COX15):c.467dup (p.Arg157fs)

Gene: COX15 (cytochrome c oxidase assembly factor COX15; minus strand). Cytogenetic location: 10q24.2.
Variant type: Duplication.
Coding change: c.467dup on transcript NM_078470.6 (MANE Select); coding-DNA position 467, one base duplicated (G; older notation c.467dupG).
Protein change: p.Arg157fs; shifts the reading frame from arginine 157.
Molecular consequence: frameshift variant. On other transcripts: intron variant (1).
Genome position (GRCh38, 1-based): chr10:99,727,083, C duplicated on the plus strand (G on the coding strand, the reverse complement: COX15 is on the minus strand); the first of 4 consecutive C bases (chr10:99,727,083-99,727,086); duplicating any one gives the same sequence. VCF-style (leftmost placement, unchanged base first): chr10-99727082-A-AC. GRCh37 (hg19) VCF-style: chr10-101486839-A-AC.
Other names: c.467dup, p.Arg157fs (NM_001320974.2, NM_001320975.2, NM_001372024.1 and 5 more transcripts); c.-59-12dup (NM_001320976.2); short protein forms R157fs.
Identifiers: ClinVar variation 2749253 (VCV002749253.3), dbSNP rs2492722405, ClinGen allele CA2697558710.